The following is an entry in ClinVar:

ClinVar aggregate classification (germline): Uncertain significance (1 of 4 stars; one submission).

Conditions:
Epidermolysis bullosa simplex 3, localized or generalized intermediate, with BP230 deficiency (EBS3). Also called: Epidermolysis bullosa simplex, autosomal recessive 2; Epidermolysis bullosa simplex due to BP230 deficiency. Identifiers: Orphanet 412181, MedGen C3809470, MONDO:0014180, OMIM 615425.
Hereditary sensory and autonomic neuropathy type 6. Also called: Neuropathy, hereditary sensory and autonomic, type VI; HSAN VI. Identifiers: Orphanet 314381, MedGen C3539003, MONDO:0013839, OMIM 614653.

gnomAD v4.1: 1 of 1,611,768 alleles (0.000062%); highest among the groups gnomAD compares: Non-Finnish European, 0.000085%; no homozygotes.

Submission:

Labcorp Genetics (formerly Invitae), Labcorp
Classification: Uncertain significance for Epidermolysis bullosa simplex 3, localized or generalized intermediate, with BP230 deficiency; Hereditary sensory and autonomic neuropathy type 6. Last evaluated: 2022-05-15. Review status: criteria provided, single submitter. Criteria: Invitae Variant Classification Sherloc (09022015). Collection method: clinical testing. Allele origin: germline.
Comment: This variant is not present in population databases (gnomAD no frequency). This variant has not been reported in the literature in individuals affected with DST-related conditions. Variants that disrupt the consensus splice site are a relatively common cause of aberrant splicing (PMID: 17576681, 9536098). Experimental studies and prediction algorithms are not available or were not evaluated, and the effect of this variant on mRNA splicing is currently unknown. In summary, the available evidence is currently insufficient to determine the role of this variant in disease. Therefore, it has been classified as a Variant of Uncertain Significance. This sequence change falls in intron 30 of the DST gene. It does not directly change the encoded amino acid sequence of the DST protein. It affects a nucleotide within the consensus splice site. The DST gene has multiple clinically relevant transcripts. This variant occurs in alternate transcript NM_015548.4, and corresponds to NM_001723.5:c.*23341A>G in the primary transcript.

Literature cited by the submitters: PubMed 17576681; PubMed 9536098.

NM_001374736.1(DST):c.12903+6A>G

Gene: DST (dystonin; minus strand). Cytogenetic location: 6p12.1.
Variant type: single nucleotide variant.
Coding change: c.12903+6A>G on transcript NM_001374736.1 (MANE Select); 6 bases into the intron after coding-DNA position 12903, A replaced by G.
Molecular consequence: intron variant.
Genome position (GRCh38, 1-based): chr6:56,592,176, T>C on the plus strand (A>G on the coding strand, the complement: DST is on the minus strand). VCF-style: chr6-56592176-T-C. GRCh37 (hg19) VCF-style: chr6-56456974-T-C.
Other names: c.6546+6A>G (NM_001144769.5); c.12903+6A>G (NM_001374722.1); c.12930+6A>G (NM_001374734.1); c.6132+6A>G (NM_001144770.2); c.6012+6A>G (NM_001374730.1, NM_001386100.1, NM_183380.4); c.12270+6A>G (NM_001374729.1); c.5034+6A>G (NM_015548.5).
Identifiers: ClinVar variation 1994765 (VCV001994765.4), dbSNP rs927659536, ClinGen allele CA139188398.